The following is an entry in ClinVar:

NM_024411.5(PDYN):c.*1029A>G

Genes: PDYN-AS1 (PDYN antisense RNA 1; plus strand), PDYN (prodynorphin; minus strand). Cytogenetic location: 20p13.
Variant type: single nucleotide variant.
Coding change: c.*1029A>G on transcript NM_024411.5 (MANE Select); 1029 bases downstream of the stop codon, A replaced by G.
Molecular consequence: 3 prime UTR variant.
Genome position (GRCh38, 1-based): chr20:1,979,294, T>C on the plus strand (A>G on the coding strand, the complement: PDYN is on the minus strand). VCF-style: chr20-1979294-T-C. GRCh37 (hg19) VCF-style: chr20-1959940-T-C.
Other names: c.*1029A>G (NM_001190892.1, NM_001190898.3, NM_001190899.2 and 1 more transcripts).
Identifiers: ClinVar variation 337815 (VCV000337815.5), dbSNP rs115095625, ClinGen allele CA10652972.

ClinVar aggregate classification (germline): Benign (1 of 4 stars; one submission).

Conditions:
Spinocerebellar ataxia type 23 (SCA23). Identifiers: Orphanet 101108, MedGen C1853250, MONDO:0012449, OMIM 610245.

Allele frequency attached by ClinVar (database versions not stated): gnomAD 0.00914 and 0.00982; TOPMed 0.01073; 1000 Genomes Project 0.01078; 1000 Genomes Project 30x 0.01156.

Submission:

Illumina Laboratory Services, Illumina
Classification: Benign for Spinocerebellar ataxia type 23. Last evaluated: 2018-01-12. Review status: criteria provided, single submitter. Criteria: ICSL Variant Classification Criteria 13 December 2019. Collection method: clinical testing. Allele origin: germline.
Comment: This variant was observed in the ICSL laboratory as part of a predisposition screen in an ostensibly healthy population. It had not been previously curated by ICSL or reported in the Human Gene Mutation Database (HGMD: prior to June 1st, 2018), and was therefore a candidate for classification through an automated scoring system. Utilizing variant allele frequency, disease prevalence and penetrance estimates, and inheritance mode, an automated score was calculated to assess if this variant is too frequent to cause the disease. Based on the score and internal cut-off values, a variant classified as benign is not then subjected to further curation. The score for this variant resulted in a classification of benign for this disease.